The following is an entry in ClinVar:

NM_001271893.4(TWIST2):c.63G>A (p.Glu21=)

Gene: TWIST2 (twist family bHLH transcription factor 2; plus strand). Cytogenetic location: 2q37.3.
Variant type: single nucleotide variant.
Coding change: c.63G>A on transcript NM_001271893.4 (MANE Select); coding-DNA position 63, G replaced by A.
Protein change: p.Glu21=; no amino-acid change (glutamic acid 21 retained).
Molecular consequence: synonymous variant.
Genome position (GRCh38, 1-based): chr2:238,848,278, G>A. VCF-style: chr2-238848278-G-A. GRCh37 (hg19) VCF-style: chr2-239756919-G-A.
Other names: c.63G>A (NM_057179.2); c.63G>A, p.Glu21= (NM_057179.3).
Identifiers: ClinVar variation 2154868 (VCV002154868.6), dbSNP rs1177711455, ClinGen allele CA432127410.

ClinVar aggregate classification (germline): Likely benign. Review status: criteria provided, single submitter (1 of 4 stars). 2 submissions from 2 submitters: Likely benign (1). 1 of the submissions does not count toward it. Last evaluated 2026-01-08.

Conditions:
TWIST2-related disorder. Also called: TWIST2-related condition.

Allele frequency attached by ClinVar (database versions not stated): gnomAD 0.00001; gnomAD exomes 0.00002; 1000 Genomes Project 30x 0.00016.
gnomAD v4.1: 28 of 1,529,870 alleles (0.0018%); highest among the groups gnomAD compares: South Asian, 0.025%; no homozygotes.

Submissions (2):

Labcorp Genetics (formerly Invitae), Labcorp
Classification: Likely benign. Last evaluated: 2026-01-08. Review status: criteria provided, single submitter. Criteria: Invitae Variant Classification Sherloc (09022015). Collection method: clinical testing. Allele origin: germline.

PreventionGenetics, part of Exact Sciences
Classification: Likely benign for TWIST2-related condition. Last evaluated: 2019-05-24. Review status: no assertion criteria provided. Collection method: clinical testing. Allele origin: germline. Not counted in ClinVar's aggregate classification.
Comment: This variant is classified as likely benign based on ACMG/AMP sequence variant interpretation guidelines (Richards et al. 2015 PMID: 25741868, with internal and published modifications).